The following is an entry in ClinVar:

NM_001430.5(EPAS1):c.1491G>T (p.Lys497Asn)

Gene: EPAS1 (endothelial PAS domain protein 1; plus strand). Cytogenetic location: 2p21.
Variant type: single nucleotide variant.
Coding change: c.1491G>T on transcript NM_001430.5 (MANE Select); coding-DNA position 1491, G replaced by T.
Protein change: p.Lys497Asn; replaces lysine 497 with asparagine.
Molecular consequence: missense variant.
Genome position (GRCh38, 1-based): chr2:46,378,704, G>T. VCF-style: chr2-46378704-G-T. GRCh37 (hg19) VCF-style: chr2-46605843-G-T.
Other names: short protein forms K497N.
Identifiers: ClinVar variation 1773795 (VCV001773795.2), dbSNP rs2546474597, ClinGen allele CA346704222.
Genomic context (GRCh38, chr2:46,378,704, plus strand): 5'-TCCTGGCCCCTAGCCCAATAGCCCTGAAGACTATTACACATCTTTGGATAACGACCTGAA[G>T]ATTGAAGTGATTGAGAAGCTCTTCGCCATGGACACAGAGGCCAAGGACCAATGCAGTACC-3'
Protein context (NP_001421.2, residues 487-507): DYYTSLDNDL[Lys497Asn]IEVIEKLFAM

ClinVar aggregate classification (germline): Uncertain significance (1 of 4 stars; one submission).

Conditions:
Inborn genetic diseases. Identifiers: MedGen C0950123, MeSH D030342.

Submission:

Ambry Genetics
Classification: Uncertain significance for Inborn genetic diseases. Last evaluated: 2021-08-11. Review status: criteria provided, single submitter. Criteria: Ambry Variant Classification Scheme 2023. Collection method: clinical testing. Allele origin: germline.
Comment: The p.K497N variant (also known as c.1491G>T), located in coding exon 11 of the EPAS1 gene, results from a G to T substitution at nucleotide position 1491. The lysine at codon 497 is replaced by asparagine, an amino acid with similar properties. This amino acid position is conserved. In addition, this alteration is predicted to be tolerated by in silico analysis. Since supporting evidence is limited at this time, the clinical significance of this alteration remains unclear.